The following is an entry in ClinVar:

ClinVar aggregate classification (germline): Uncertain significance (1 of 4 stars; one submission).

Conditions:
Nemaline myopathy 6 (NEM6). Also called: Nemaline myopathy 6, autosomal dominant. Identifiers: Orphanet 171439, MedGen C1836472, MONDO:0012237, OMIM 609273.

Submission:

Labcorp Genetics (formerly Invitae), Labcorp
Classification: Uncertain significance for Nemaline myopathy 6. Last evaluated: 2025-06-10. Review status: criteria provided, single submitter. Criteria: Invitae Variant Classification Sherloc (09022015). Collection method: clinical testing. Allele origin: germline.
Comment: This sequence change replaces valine, which is neutral and non-polar, with leucine, which is neutral and non-polar, at codon 26 of the KBTBD13 protein (p.Val26Leu). This variant is present in population databases (rs775846405, gnomAD 0.004%). This variant has not been reported in the literature in individuals affected with KBTBD13-related conditions. Invitae Evidence Modeling of protein sequence and biophysical properties (such as structural, functional, and spatial information, amino acid conservation, physicochemical variation, residue mobility, and thermodynamic stability) indicates that this missense variant is not expected to disrupt KBTBD13 protein function with a negative predictive value of 80%. In summary, the available evidence is currently insufficient to determine the role of this variant in disease. Therefore, it has been classified as a Variant of Uncertain Significance.

NM_001101362.3(KBTBD13):c.76G>C (p.Val26Leu)

Gene: KBTBD13 (kelch repeat and BTB domain containing 13; plus strand). Cytogenetic location: 15q22.31.
Variant type: single nucleotide variant.
Coding change: c.76G>C on transcript NM_001101362.3 (MANE Select); coding-DNA position 76, G replaced by C.
Protein change: p.Val26Leu; replaces valine 26 with leucine.
Molecular consequence: missense variant.
Genome position (GRCh38, 1-based): chr15:65,076,891, G>C. VCF-style: chr15-65076891-G-C. GRCh37 (hg19) VCF-style: chr15-65369229-G-C.
Other names: short protein forms V26L.
Identifiers: ClinVar variation 4737108 (VCV004737108.1).